The following is an entry in ClinVar:

NM_032228.6(FAR1):c.1390C>T (p.Arg464Trp)

Gene: FAR1 (fatty acyl-CoA reductase 1; plus strand). Cytogenetic location: 11p15.3.
Variant type: single nucleotide variant.
Coding change: c.1390C>T on transcript NM_032228.6 (MANE Select); coding-DNA position 1390, C replaced by T.
Protein change: p.Arg464Trp; replaces arginine 464 with tryptophan.
Molecular consequence: missense variant.
Genome position (GRCh38, 1-based): chr11:13,728,616, C>T. VCF-style: chr11-13728616-C-T. GRCh37 (hg19) VCF-style: chr11-13750163-C-T.
Other names: short protein forms R464W.
Identifiers: ClinVar variation 1994570 (VCV001994570.4), dbSNP rs757619252, ClinGen allele CA5893556.

ClinVar aggregate classification (germline): Uncertain significance (1 of 4 stars; one submission).

Allele frequency attached by ClinVar (database versions not stated): ExAC 0.00001; gnomAD exomes below 0.00001.
gnomAD v4.1: 3 of 1,608,952 alleles (0.00019%); highest among the groups gnomAD compares: South Asian, 0.0011%; no homozygotes.

Submission:

Labcorp Genetics (formerly Invitae), Labcorp
Classification: Uncertain significance. Last evaluated: 2025-07-16. Review status: criteria provided, single submitter. Criteria: Invitae Variant Classification Sherloc (09022015). Collection method: clinical testing. Allele origin: germline.
Comment: This sequence change replaces arginine, which is basic and polar, with tryptophan, which is neutral and slightly polar, at codon 464 of the FAR1 protein (p.Arg464Trp). The frequency data for this variant in the population databases is considered unreliable, as metrics indicate poor data quality at this position in the gnomAD database. This variant has not been reported in the literature in individuals affected with FAR1-related conditions. ClinVar contains an entry for this variant (Variation ID: 1994570). An algorithm developed to predict the effect of missense changes on protein structure and function (PolyPhen-2) suggests that this variant is likely to be tolerated. In summary, the available evidence is currently insufficient to determine the role of this variant in disease. Therefore, it has been classified as a Variant of Uncertain Significance.